The following is an entry in ClinVar:

NM_020964.3(EPG5):c.151C>G (p.Leu51Val)

Gene: EPG5 (ectopic P-granules 5 autophagy tethering factor; minus strand). Cytogenetic location: 18q21.1.
Variant type: single nucleotide variant.
Coding change: c.151C>G on transcript NM_020964.3 (MANE Select); coding-DNA position 151, C replaced by G.
Protein change: p.Leu51Val; replaces leucine 51 with valine.
Molecular consequence: missense variant.
Genome position (GRCh38, 1-based): chr18:45,955,251, G>C on the plus strand (C>G on the coding strand, the complement: EPG5 is on the minus strand). VCF-style: chr18-45955251-G-C. GRCh37 (hg19) VCF-style: chr18-43535217-G-C.
Other names: short protein forms L51V.
Identifiers: ClinVar variation 668200 (VCV000668200.16), dbSNP rs188069373, ClinGen allele CA8949999.

ClinVar aggregate classification (germline): Likely benign. Review status: criteria provided, multiple submitters, no conflicts (2 of 4 stars). 4 submissions from 4 submitters: Likely benign (3). 1 of the submissions does not count toward it. Last evaluated 2026-01-27.

Conditions:
Vici syndrome (VICIS). Identifiers: Orphanet 1493, MedGen C1855772, MONDO:0009452, OMIM 242840.
EPG5-related disorder. Also called: EPG5-related condition. Identifiers: MedGen CN381528.

Allele frequency attached by ClinVar (database versions not stated): ESP Exome Variant Server 0.00008; gnomAD 0.00014 and 0.00015; 1000 Genomes Project 0.00040; gnomAD exomes 0.00045 and 0.00099; 1000 Genomes Project 30x 0.00062; TOPMed 0.00066; ExAC 0.00069.
gnomAD v4.1: 296 of 1,614,212 alleles (0.018%); highest among the groups gnomAD compares: Admixed American, 0.48%; 4 homozygotes.

Submissions (4):

Labcorp Genetics (formerly Invitae), Labcorp
Classification: Likely benign for Vici syndrome. Last evaluated: 2026-01-27. Review status: criteria provided, single submitter. Criteria: Invitae Variant Classification Sherloc (09022015). Collection method: clinical testing. Allele origin: germline.

Blueprint Genetics
Classification: Likely benign. Last evaluated: 2024-09-30. Review status: criteria provided, single submitter. Criteria: ACMG Guidelines, 2015. Collection method: clinical testing. Allele origin: germline.

GeneDx
Classification: Likely benign. Last evaluated: 2018-05-17. Review status: criteria provided, single submitter. Criteria: GeneDx Variant Classification (06012015). Collection method: clinical testing. Allele origin: germline. Affected: yes.
Comment: This variant is considered likely benign or benign based on one or more of the following criteria: it is a conservative change, it occurs at a poorly conserved position in the protein, it is predicted to be benign by multiple in silico algorithms, and/or has population frequency not consistent with disease.

PreventionGenetics, part of Exact Sciences
Classification: Likely benign for EPG5-related condition. Last evaluated: 2019-11-27. Review status: no assertion criteria provided. Collection method: clinical testing. Allele origin: germline. Not counted in ClinVar's aggregate classification.
Comment: This variant is classified as likely benign based on ACMG/AMP sequence variant interpretation guidelines (Richards et al. 2015 PMID: 25741868, with internal and published modifications).